The following is an entry in ClinVar:

ClinVar aggregate classification (germline): Uncertain significance (1 of 4 stars; one submission).

Submission:

Labcorp Genetics (formerly Invitae), Labcorp
Classification: Uncertain significance. Last evaluated: 2021-03-18. Review status: criteria provided, single submitter. Criteria: Invitae Variant Classification Sherloc (09022015). Collection method: clinical testing. Allele origin: germline.
Comment: In summary, the available evidence is currently insufficient to determine the role of this variant in disease. Therefore, it has been classified as a Variant of Uncertain Significance. Algorithms developed to predict the effect of missense changes on protein structure and function are either unavailable or do not agree on the potential impact of this missense change (SIFT: "Deleterious"; PolyPhen-2: "Benign"; Align-GVGD: "Class C0"). This variant has not been reported in the literature in individuals with ATP6AP1-related conditions. The frequency data for this variant in the population databases is considered unreliable, as metrics indicate insufficient coverage at this position in the ExAC database. This sequence change replaces glutamine with arginine at codon 44 of the ATP6AP1 protein (p.Gln44Arg). The glutamine residue is moderately conserved and there is a small physicochemical difference between glutamine and arginine.

NM_001183.6(ATP6AP1):c.131A>G (p.Gln44Arg)

Gene: ATP6AP1 (ATPase H+ transporting accessory protein 1; plus strand). Cytogenetic location: Xq28.
Variant type: single nucleotide variant.
Coding change: c.131A>G on transcript NM_001183.6 (MANE Select); coding-DNA position 131, A replaced by G.
Protein change: p.Gln44Arg; replaces glutamine 44 with arginine.
Molecular consequence: missense variant.
Genome position (GRCh38, 1-based): chrX:154,428,823, A>G. VCF-style: chrX-154428823-A-G. GRCh37 (hg19) VCF-style: chrX-153657169-A-G.
Other names: short protein forms Q44R.
Identifiers: ClinVar variation 1517433 (VCV001517433.8), dbSNP rs2148221761, ClinGen allele CA415187660.